The following is an entry in ClinVar:

NM_012144.4(DNAI1):c.625C>T (p.Arg209Ter)

Gene: DNAI1 (dynein axonemal intermediate chain 1; plus strand). Cytogenetic location: 9p13.3.
Variant type: single nucleotide variant.
Coding change: c.625C>T on transcript NM_012144.4 (MANE Select); coding-DNA position 625, C replaced by T.
Protein change: p.Arg209Ter; replaces arginine 209 with a stop codon.
Molecular consequence: nonsense.
Genome position (GRCh38, 1-based): chr9:34,491,498, C>T. VCF-style: chr9-34491498-C-T. GRCh37 (hg19) VCF-style: chr9-34491496-C-T.
Other names: p.Arg209*; c.637C>T, p.Arg213Ter (NM_001281428.2); short protein forms R209*, R213*.
Identifiers: ClinVar variation 525320 (VCV000525320.10), dbSNP rs769224534, ClinGen allele CA5034127.

ClinVar aggregate classification (germline): Pathogenic. Review status: criteria provided, multiple submitters, no conflicts (2 of 4 stars). 3 submissions from 3 submitters: Pathogenic (3). Last evaluated 2026-06-30.

Conditions:
Primary ciliary dyskinesia. Also called: Ciliary dyskinesia. Identifiers: Orphanet 244, MedGen C0008780, MONDO:0016575, HP:0012265.
Kartagener syndrome (CILD1). Also called: CILIARY DYSKINESIA, PRIMARY, 1; IMMOTILE CILIA SYNDROME; CILIARY DYSKINESIA, PRIMARY, 1, WITH OR WITHOUT SITUS INVERSUS; Dextrocardia bronchiectasis and sinusitis; SIEWERT SYNDROME; POLYNESIAN BRONCHIECTASIS. Identifiers: Orphanet 244, MedGen C4551906, MONDO:0009484, OMIM 244400.

Submissions (3):

Myriad Genetics, Inc.
Classification: Pathogenic for Kartagener syndrome. Last evaluated: 2026-06-30. Review status: criteria provided, single submitter. Criteria: Myriad Autosomal Dominant, Autosomal Recessive and X-Linked Classification Criteria (2023). Collection method: clinical testing. Allele origin: unknown.
Comment: NM_012144.2(DNAI1):c.625C>T(R209*) is a nonsense variant classified as pathogenic in the context of primary ciliary dyskinesia, DNAI1-related. R209* has not been observed in cases with relevant disease. Relevant functional assessments of this variant are not available in the literature. R209* has been observed in referenced population frequency databases. In summary, NM_012144.2(DNAI1):c.625C>T(R209*) is a nonsense variant in a gene where loss of function is a known mechanism of disease and is predicted to disrupt protein function. Please note: this variant was assessed in the context of healthy population screening.

Coskunpinar Laboratory, Saglik Bilimleri University, Hamidiye School of Medicine
Classification: Pathogenic for Kartagener syndrome. Last evaluated: 2026-02-02. Review status: criteria provided, single submitter. Criteria: ACMG Guidelines, 2015. Collection method: research. Allele origin: germline. Affected: yes. Observed: 2 variant alleles, 2 homozygotes.
Comment: Classification aligns with existing ClinVar pathogenic assertions (CLINVAR: RCV000629374.8). Nonsense variant in an established primary ciliary dyskinesia disease gene (OMIM:244400), predicted to result in loss of function. Classification is consistent with Qiagen Clinical Insight Interpret assessment which implements ACMG/AMP variant interpretation guidelines.

Labcorp Genetics (formerly Invitae), Labcorp
Classification: Pathogenic for Primary ciliary dyskinesia. Last evaluated: 2022-03-23. Review status: criteria provided, single submitter. Criteria: Invitae Variant Classification Sherloc (09022015). Collection method: clinical testing. Allele origin: germline.
Comment: This variant has not been reported in the literature in individuals affected with DNAI1-related conditions. ClinVar contains an entry for this variant (Variation ID: 525320). For these reasons, this variant has been classified as Pathogenic. This sequence change creates a premature translational stop signal (p.Arg209*) in the DNAI1 gene. It is expected to result in an absent or disrupted protein product. Loss-of-function variants in DNAI1 are known to be pathogenic (PMID: 16858015, 29363216). This variant is present in population databases (rs769224534, gnomAD 0.02%).

Literature cited by the submitters: PubMed 16858015 (cited by Labcorp Genetics (formerly Invitae), Labcorp); PubMed 29363216 (cited by Labcorp Genetics (formerly Invitae), Labcorp).